The following is an entry in ClinVar:

ClinVar aggregate classification (germline): Uncertain significance (1 of 4 stars; one submission).

Conditions:
Dilated cardiomyopathy 1DD (CMD1DD). Identifiers: Orphanet 154, MedGen C2750995, MONDO:0013168, OMIM 613172.

Allele frequency attached by ClinVar (database versions not stated): gnomAD exomes below 0.00001.
gnomAD v4.1: 5 of 1,526,938 alleles (0.00033%); highest among the groups gnomAD compares: Non-Finnish European, 0.00035%; no homozygotes.

Submission:

Labcorp Genetics (formerly Invitae), Labcorp
Classification: Uncertain significance for Dilated cardiomyopathy 1DD. Last evaluated: 2021-12-29. Review status: criteria provided, single submitter. Criteria: Invitae Variant Classification Sherloc (09022015). Collection method: clinical testing. Allele origin: germline.
Comment: This sequence change affects codon 40 of the RBM20 mRNA. It is a 'silent' change, meaning that it does not change the encoded amino acid sequence of the RBM20 protein. This variant is not present in population databases (gnomAD no frequency). This variant has not been reported in the literature in individuals affected with RBM20-related conditions. Algorithms developed to predict the effect of sequence changes on RNA splicing suggest that this variant may create or strengthen a splice site. In summary, the available evidence is currently insufficient to determine the role of this variant in disease. Therefore, it has been classified as a Variant of Uncertain Significance.

NM_001134363.3(RBM20):c.120G>T (p.Gly40=)

Gene: RBM20 (RNA binding motif protein 20; plus strand). Cytogenetic location: 10q25.2.
Variant type: single nucleotide variant.
Coding change: c.120G>T on transcript NM_001134363.3 (MANE Select); coding-DNA position 120, G replaced by T.
Protein change: p.Gly40=; no amino-acid change (glycine 40 retained).
Molecular consequence: synonymous variant.
Genome position (GRCh38, 1-based): chr10:110,644,574, G>T. VCF-style: chr10-110644574-G-T. GRCh37 (hg19) VCF-style: chr10-112404332-G-T.
Identifiers: ClinVar variation 2064780 (VCV002064780.4), dbSNP rs2493192529, ClinGen allele CA471464236.